The following is an entry in ClinVar:

NM_017780.4(CHD7):c.2919_2927del (p.Glu974_Val976del)

Gene: CHD7 (chromodomain helicase DNA binding protein 7; plus strand). Cytogenetic location: 8q12.2.
Variant type: Deletion.
Coding change: c.2919_2927del on transcript NM_017780.4 (MANE Select); coding-DNA positions 2919 to 2927, 9 bases deleted (GGAGGGAGT; older notation c.2919_2927delGGAGGGAGT).
Protein change: p.Glu974_Val976del.
Molecular consequence: inframe deletion. On other transcripts: intron variant (1).
Genome position (GRCh38, 1-based): chr8:60,822,107-60,822,115, GGAGGGAGT deleted; deleting any 9 consecutive bases within chr8:60,822,106-60,822,115 gives the same sequence; the c. name uses the placement nearest the transcript's 3' end. VCF-style (leftmost placement, unchanged base first): chr8-60822105-TTGGAGGGAG-T. GRCh37 (hg19) VCF-style: chr8-61734664-TTGGAGGGAG-T.
Other names: c.1717-40122_1717-40114del (NM_001316690.1).
Identifiers: ClinVar variation 862433 (VCV000862433.1), dbSNP rs1804070388, ClinGen allele CA916079920.

ClinVar aggregate classification (germline): Uncertain significance (1 of 4 stars; one submission).

Conditions:
CHARGE syndrome (CHARGE). Also called: CHARGE ASSOCIATION--COLOBOMA, HEART ANOMALY, CHOANAL ATRESIA, RETARDATION, GENITAL AND EAR ANOMALIES; Coloboma, heart anomaly, choanal atresia, retardation, genital and ear anomalies; CHARGE association; Hall-Hittner syndrome; Hittner Hirsch Kreh syndrome. Identifiers: Orphanet 138, MedGen C0265354, MONDO:0008965.

Submission:

Labcorp Genetics (formerly Invitae), Labcorp
Classification: Uncertain significance for CHARGE association. Last evaluated: 2019-11-25. Review status: criteria provided, single submitter. Criteria: Invitae Variant Classification Sherloc (09022015). Collection method: clinical testing. Allele origin: germline.
Comment: This variant, c.2919_2927del, results in the deletion of 3 amino acid(s) of the CHD7 protein (p.Glu974_Val976del), but otherwise preserves the integrity of the reading frame. This variant is not present in population databases (ExAC no frequency). This variant has not been reported in the literature in individuals with CHD7-related conditions. Experimental studies and prediction algorithms are not available or were not evaluated, and the functional significance of this variant is currently unknown. In summary, the available evidence is currently insufficient to determine the role of this variant in disease. Therefore, it has been classified as a Variant of Uncertain Significance.